The following is an entry in ClinVar:

NM_000336.3(SCNN1B):c.1888G>A (p.Val630Ile)

Gene: SCNN1B (sodium channel epithelial 1 subunit beta; plus strand). Cytogenetic location: 16p12.2.
Variant type: single nucleotide variant.
Coding change: c.1888G>A on transcript NM_000336.3 (MANE Select); coding-DNA position 1888, G replaced by A.
Protein change: p.Val630Ile; replaces valine 630 with isoleucine.
Molecular consequence: missense variant.
Genome position (GRCh38, 1-based): chr16:23,380,766, G>A. VCF-style: chr16-23380766-G-A. GRCh37 (hg19) VCF-style: chr16-23392087-G-A.
Other names: short protein forms V630I.
Identifiers: ClinVar variation 995268 (VCV000995268.14), dbSNP rs72654357, ClinGen allele CA7960671.

ClinVar aggregate classification (germline): Conflicting classifications of pathogenicity. Review status: criteria provided, conflicting classifications (1 of 4 stars). 6 submissions from 6 submitters: Uncertain significance (4); Likely benign (2). Last evaluated 2026-08-11.

Conditions:
SCNN1B-related disorder. Also called: SCNN1B-related condition.
Inborn genetic diseases. Identifiers: MedGen C0950123, MeSH D030342.

Allele frequency attached by ClinVar (database versions not stated): gnomAD exomes 0.00010 and 0.00022; 1000 Genomes Project 30x 0.00016; 1000 Genomes Project 0.00020; ExAC 0.00024; ESP Exome Variant Server 0.00039; TOPMed 0.00077; gnomAD 0.00085 and 0.00089.
gnomAD v4.1: 282 of 1,612,486 alleles (0.017%); highest among the groups gnomAD compares: African/African-American, 0.23%; no homozygotes.

Submissions (6):

PreventionGenetics, part of Exact Sciences
Classification: Likely benign for SCNN1B-related condition. Last evaluated: 2026-08-11. Review status: criteria provided, single submitter. Criteria: ACMG Guidelines, 2015. Collection method: clinical testing. Allele origin: germline.
Comment: This variant is classified as likely benign based on ACMG/AMP sequence variant interpretation guidelines (Richards et al. 2015 PMID: 25741868, with internal and published modifications).

Labcorp Genetics (formerly Invitae), Labcorp
Classification: Likely benign. Last evaluated: 2025-09-18. Review status: criteria provided, single submitter. Criteria: Invitae Variant Classification Sherloc (09022015). Collection method: clinical testing. Allele origin: germline.

Blueprint Genetics
Classification: Uncertain significance. Last evaluated: 2024-10-24. Review status: criteria provided, single submitter. Criteria: ACMG Guidelines, 2015. Collection method: clinical testing. Allele origin: germline.

Ambry Genetics
Classification: Uncertain significance for Inborn genetic diseases. Last evaluated: 2021-12-03. Review status: criteria provided, single submitter. Criteria: Ambry Variant Classification Scheme 2023. Collection method: clinical testing. Allele origin: germline.

GeneDx
Classification: Uncertain significance. Last evaluated: 2020-08-19. Review status: criteria provided, single submitter. Criteria: GeneDx Variant Classification Process June 2021. Collection method: clinical testing. Allele origin: germline. Affected: yes.
Comment: Has not been previously published as pathogenic or benign to our knowledge; In silico analysis, which includes protein predictors and evolutionary conservation, supports that this variant does not alter protein structure/function

Athena Diagnostics
Classification: Uncertain significance. Last evaluated: 2020-03-19. Review status: criteria provided, single submitter. Criteria: Athena Diagnostics Criteria. Collection method: clinical testing. Allele origin: unknown.